The following is an entry in ClinVar:

NM_000785.4(CYP27B1):c.402G>C (p.Trp134Cys)

Gene: CYP27B1 (cytochrome P450 family 27 subfamily B member 1; minus strand). Cytogenetic location: 12q14.1.
Variant type: single nucleotide variant.
Coding change: c.402G>C on transcript NM_000785.4 (MANE Select); coding-DNA position 402, G replaced by C.
Protein change: p.Trp134Cys; replaces tryptophan 134 with cysteine.
Molecular consequence: missense variant.
Genome position (GRCh38, 1-based): chr12:57,765,484, C>G on the plus strand (G>C on the coding strand, the complement: CYP27B1 is on the minus strand). VCF-style: chr12-57765484-C-G. GRCh37 (hg19) VCF-style: chr12-58159267-C-G.
Other names: short protein forms W134C.
Identifiers: ClinVar variation 834528 (VCV000834528.9), dbSNP rs1490106961, ClinGen allele CA385507213.

ClinVar aggregate classification (germline): Uncertain significance (1 of 4 stars; one submission).

Allele frequency attached by ClinVar (database versions not stated): gnomAD exomes below 0.00001.
gnomAD v4.1: 2 of 1,611,226 alleles (0.00012%); highest among the groups gnomAD compares: Non-Finnish European, 0.00017%; no homozygotes.

Submission:

Labcorp Genetics (formerly Invitae), Labcorp
Classification: Uncertain significance. Last evaluated: 2023-10-04. Review status: criteria provided, single submitter. Criteria: Invitae Variant Classification Sherloc (09022015). Collection method: clinical testing. Allele origin: germline.
Comment: This sequence change replaces tryptophan, which is neutral and slightly polar, with cysteine, which is neutral and slightly polar, at codon 134 of the CYP27B1 protein (p.Trp134Cys). This variant is not present in population databases (gnomAD no frequency). This variant has not been reported in the literature in individuals affected with CYP27B1-related conditions. ClinVar contains an entry for this variant (Variation ID: 834528). Advanced modeling of protein sequence and biophysical properties (such as structural, functional, and spatial information, amino acid conservation, physicochemical variation, residue mobility, and thermodynamic stability) performed at Invitae indicates that this missense variant is expected to disrupt CYP27B1 protein function. In summary, the available evidence is currently insufficient to determine the role of this variant in disease. Therefore, it has been classified as a Variant of Uncertain Significance.